The following is an entry in ClinVar:

NM_022783.4(DEPTOR):c.1008C>T (p.Asp336=)

Gene: DEPTOR (DEP domain containing MTOR interacting protein; plus strand). Cytogenetic location: 8q24.12.
Variant type: single nucleotide variant.
Coding change: c.1008C>T on transcript NM_022783.4 (MANE Select); coding-DNA position 1008, C replaced by T.
Protein change: p.Asp336=; no amino-acid change (aspartic acid 336 retained).
Molecular consequence: synonymous variant.
Genome position (GRCh38, 1-based): chr8:120,009,040, C>T. VCF-style: chr8-120009040-C-T. GRCh37 (hg19) VCF-style: chr8-121021279-C-T.
Other names: c.705C>T, p.Asp235= (NM_001283012.2).
Identifiers: ClinVar variation 2658783 (VCV002658783.24), dbSNP rs200067665, ClinGen allele CA4858361.

ClinVar aggregate classification (germline): Likely benign (1 of 4 stars; one submission).

Allele frequency attached by ClinVar (database versions not stated): gnomAD exomes 0.00010; gnomAD 0.00013; TOPMed 0.00016; ExAC 0.00020.
gnomAD v4.1: 175 of 1,613,882 alleles (0.011%); highest among the groups gnomAD compares: Admixed American, 0.055%; no homozygotes.

Submission:

CeGaT Center for Human Genetics Tuebingen
Classification: Likely benign. Last evaluated: 2024-02-01. Review status: criteria provided, single submitter. Criteria: CeGaT Center For Human Genetics Tuebingen Variant Classification Criteria Version 2. Collection method: clinical testing. Allele origin: germline. Affected: yes. Observed: 1 variant allele.
Comment: DEPTOR: BP4, BP7